The following is an entry in ClinVar:

ClinVar aggregate classification (germline): Uncertain significance (1 of 4 stars; one submission).

Submission:

Women's Health and Genetics/Laboratory Corporation of America, LabCorp
Classification: Uncertain significance. Last evaluated: 2026-06-04. Review status: criteria provided, single submitter. Criteria: LabCorp Variant Classification Summary - May 2015. Collection method: clinical testing. Allele origin: germline.
Comment: Variant summary: EP300 c.6542A>C (p.Asp2181Ala) results in a non-conservative amino acid change in the encoded protein sequence. Algorithms developed to predict the effect of missense changes on protein structure and function are either unavailable or do not agree on the potential impact of this missense change. The variant was absent in 251250 control chromosomes. The available data on variant occurrences in the general population are insufficient to allow any conclusion about variant significance. To our knowledge, no occurrence of c.6542A>C in individuals affected with EP300-related conditions and no experimental evidence demonstrating its impact on protein function have been reported. No submitters have cited clinical-significance assessments for this variant to ClinVar. Based on the evidence outlined above, the variant was classified as uncertain significance.

NM_001429.4(EP300):c.6542A>C (p.Asp2181Ala)

Gene: EP300 (EP300 lysine acetyltransferase; plus strand). Cytogenetic location: 22q13.2.
Variant type: single nucleotide variant.
Coding change: c.6542A>C on transcript NM_001429.4 (MANE Select); coding-DNA position 6542, A replaced by C.
Protein change: p.Asp2181Ala; replaces aspartic acid 2181 with alanine.
Molecular consequence: missense variant.
Genome position (GRCh38, 1-based): chr22:41,178,253, A>C. VCF-style: chr22-41178253-A-C. GRCh37 (hg19) VCF-style: chr22-41574257-A-C.
Other names: c.6464A>C, p.Asp2155Ala (NM_001362843.2); short protein forms D2155A, D2181A.
Identifiers: ClinVar variation 4887531 (VCV004887531.1).